The following is an entry in ClinVar:

ClinVar aggregate classification (germline): Uncertain significance. Review status: criteria provided, multiple submitters, no conflicts (2 of 4 stars). 4 submissions from 4 submitters: Uncertain significance (4). Last evaluated 2024-12-14.

Conditions:
Inborn genetic diseases. Identifiers: MedGen C0950123, MeSH D030342.
Encephalopathy, progressive, with amyotrophy and optic atrophy (PEAMO). Identifiers: MedGen C4310667, MONDO:0014968, OMIM 617207.

Allele frequency attached by ClinVar (database versions not stated): gnomAD exomes below 0.00001.
gnomAD v4.1: 1 of 1,614,154 alleles (0.000062%); highest among the groups gnomAD compares: Non-Finnish European, 0.000085%; no homozygotes.

Submissions (4):

Ambry Genetics
Classification: Uncertain significance for Inborn genetic diseases. Last evaluated: 2024-12-14. Review status: criteria provided, single submitter. Criteria: Ambry Variant Classification Scheme 2023. Collection method: clinical testing. Allele origin: germline.

Labcorp Genetics (formerly Invitae), Labcorp
Classification: Uncertain significance. Last evaluated: 2022-03-03. Review status: criteria provided, single submitter. Criteria: Invitae Variant Classification Sherloc (09022015). Collection method: clinical testing. Allele origin: germline.
Comment: This sequence change replaces glycine, which is neutral and non-polar, with serine, which is neutral and polar, at codon 397 of the TBCE protein (p.Gly397Ser). This variant is not present in population databases (gnomAD no frequency). This variant has not been reported in the literature in individuals affected with TBCE-related conditions. ClinVar contains an entry for this variant (Variation ID: 1033980). Algorithms developed to predict the effect of missense changes on protein structure and function are either unavailable or do not agree on the potential impact of this missense change (SIFT: "Deleterious"; PolyPhen-2: "Probably Damaging"; Align-GVGD: "Class C0"). In summary, the available evidence is currently insufficient to determine the role of this variant in disease. Therefore, it has been classified as a Variant of Uncertain Significance.

Revvity Omics, Revvity
Classification: Uncertain significance. Last evaluated: 2020-07-31. Review status: criteria provided, single submitter. Criteria: ACMG Guidelines, 2015. Collection method: clinical testing. Allele origin: germline.

Baylor Genetics
Classification: Uncertain significance for Encephalopathy, progressive, with amyotrophy and optic atrophy. Last evaluated: 2018-12-06. Review status: criteria provided, single submitter. Criteria: ACMG Guidelines, 2015. Collection method: clinical testing. Allele origin: unknown. Affected: yes.
Comment: This variant was determined to be of uncertain significance according to ACMG Guidelines, 2015 [PMID:25741868].

NM_003193.5(TBCE):c.1189G>A (p.Gly397Ser)

Gene: TBCE (tubulin folding cofactor E; plus strand). Cytogenetic location: 1q42.3.
Variant type: single nucleotide variant.
Coding change: c.1189G>A on transcript NM_003193.5 (MANE Select); coding-DNA position 1189, G replaced by A.
Protein change: p.Gly397Ser; replaces glycine 397 with serine.
Molecular consequence: missense variant.
Genome position (GRCh38, 1-based): chr1:235,438,841, G>A. VCF-style: chr1-235438841-G-A. GRCh37 (hg19) VCF-style: chr1-235602156-G-A.
Other names: c.1189G>A, p.Gly397Ser (NM_001079515.3); c.1342G>A, p.Gly448Ser (NM_001287801.2); c.850G>A, p.Gly284Ser (NM_001287802.2); short protein forms G397S, G284S, G448S.
Identifiers: ClinVar variation 1033980 (VCV001033980.8), dbSNP rs1681633971, ClinGen allele CA344945188.